The following is an entry in ClinVar:

ClinVar aggregate classification (germline): Uncertain significance (1 of 4 stars; one submission).

Conditions:
Cardiovascular phenotype. Identifiers: MedGen CN230736.
Hereditary cancer-predisposing syndrome. Also called: Tumor predisposition; Hereditary neoplastic syndrome; Neoplastic Syndromes, Hereditary; Hereditary Cancer Syndrome. Identifiers: Orphanet 140162, MedGen C0027672, MeSH D009386, MONDO:0015356.

Submission:

Ambry Genetics
Classification: Uncertain significance for Cardiovascular phenotype; Hereditary cancer-predisposing syndrome. Last evaluated: 2025-04-13. Review status: criteria provided, single submitter. Criteria: Ambry Variant Classification Scheme 2023. Collection method: clinical testing. Allele origin: germline.
Comment: The p.T288S variant (also known as c.863C>G), located in coding exon 9 of the LZTR1 gene, results from a C to G substitution at nucleotide position 863. The threonine at codon 288 is replaced by serine, an amino acid with similar properties. This amino acid position is conserved. In addition, the in silico prediction for this alteration is inconclusive. Based on the available evidence, the clinical significance of this variant remains unclear.

NM_006767.4(LZTR1):c.863C>G (p.Thr288Ser)

Gene: LZTR1 (leucine zipper like post translational regulator 1; plus strand). Cytogenetic location: 22q11.21.
Variant type: single nucleotide variant.
Coding change: c.863C>G on transcript NM_006767.4 (MANE Select); coding-DNA position 863, C replaced by G.
Protein change: p.Thr288Ser; replaces threonine 288 with serine.
Molecular consequence: missense variant.
Genome position (GRCh38, 1-based): chr22:20,991,699, C>G. VCF-style: chr22-20991699-C-G. GRCh37 (hg19) VCF-style: chr22-21345988-C-G.
Other names: short protein forms T288S.
Identifiers: ClinVar variation 3991496 (VCV003991496.1).